The following is an entry in ClinVar:

ClinVar aggregate classification (germline): Uncertain significance (1 of 4 stars; one submission).

Allele frequency attached by ClinVar (database versions not stated): gnomAD 0.00001; gnomAD exomes 0.00001; ExAC 0.00002; 1000 Genomes Project 30x 0.00016; 1000 Genomes Project 0.00020.
gnomAD v4.1: 4 of 1,611,206 alleles (0.00025%); highest among the groups gnomAD compares: Admixed American, 0.005%; no homozygotes.

Submission:

Labcorp Genetics (formerly Invitae), Labcorp
Classification: Uncertain significance. Last evaluated: 2021-11-30. Review status: criteria provided, single submitter. Criteria: Invitae Variant Classification Sherloc (09022015). Collection method: clinical testing. Allele origin: germline.
Comment: In summary, the available evidence is currently insufficient to determine the role of this variant in disease. Therefore, it has been classified as a Variant of Uncertain Significance. Algorithms developed to predict the effect of missense changes on protein structure and function output the following: SIFT: "Tolerated"; PolyPhen-2: "Benign"; Align-GVGD: "Class C0". The arginine amino acid residue is found in multiple mammalian species, which suggests that this missense change does not adversely affect protein function. This variant has not been reported in the literature in individuals affected with HPS5-related conditions. This variant is present in population databases (rs200566461, gnomAD 0.0009%). This sequence change replaces glutamine, which is neutral and polar, with arginine, which is basic and polar, at codon 776 of the HPS5 protein (p.Gln776Arg).

NM_181507.2(HPS5):c.2327A>G (p.Gln776Arg)

Gene: HPS5 (HPS5 biogenesis of lysosomal organelles complex 2 subunit 2; minus strand). Cytogenetic location: 11p15.1.
Variant type: single nucleotide variant.
Coding change: c.2327A>G on transcript NM_181507.2 (MANE Select); coding-DNA position 2327, A replaced by G.
Protein change: p.Gln776Arg; replaces glutamine 776 with arginine.
Molecular consequence: missense variant.
Genome position (GRCh38, 1-based): chr11:18,291,555, T>C on the plus strand (A>G on the coding strand, the complement: HPS5 is on the minus strand). VCF-style: chr11-18291555-T-C. GRCh37 (hg19) VCF-style: chr11-18313102-T-C.
Other names: c.1985A>G, p.Gln662Arg (NM_007216.4, NM_181508.2); short protein forms Q776R, Q662R.
Identifiers: ClinVar variation 1434989 (VCV001434989.4), dbSNP rs200566461, ClinGen allele CA5909882.